The following is an entry in ClinVar:

ClinVar aggregate classification (germline): Uncertain significance. Review status: criteria provided, multiple submitters, no conflicts (2 of 4 stars). 2 submissions from 2 submitters: Uncertain significance (2). Last evaluated 2023-05-11.

Conditions:
Hereditary cancer-predisposing syndrome. Also called: Neoplastic Syndromes, Hereditary; Tumor predisposition; Hereditary Cancer Syndrome; Hereditary neoplastic syndrome. Identifiers: Orphanet 140162, MedGen C0027672, MeSH D009386, MONDO:0015356.
Gorlin syndrome. Also called: Nevoid Basal Cell Carcinoma Syndrome; Basal cell nevus syndrome. Identifiers: Orphanet 377, MedGen C0004779, MONDO:0007187.

Submissions (2):

Labcorp Genetics (formerly Invitae), Labcorp
Classification: Uncertain significance for Gorlin syndrome. Last evaluated: 2023-05-11. Review status: criteria provided, single submitter. Criteria: Invitae Variant Classification Sherloc (09022015). Collection method: clinical testing. Allele origin: germline.
Comment: In summary, the available evidence is currently insufficient to determine the role of this variant in disease. Therefore, it has been classified as a Variant of Uncertain Significance. Advanced modeling of protein sequence and biophysical properties (such as structural, functional, and spatial information, amino acid conservation, physicochemical variation, residue mobility, and thermodynamic stability) performed at Invitae indicates that this missense variant is not expected to disrupt PTCH1 protein function. ClinVar contains an entry for this variant (Variation ID: 1727989). This variant has not been reported in the literature in individuals affected with PTCH1-related conditions. This variant is not present in population databases (gnomAD no frequency). This sequence change replaces valine, which is neutral and non-polar, with leucine, which is neutral and non-polar, at codon 1045 of the PTCH1 protein (p.Val1045Leu).

Ambry Genetics
Classification: Uncertain significance for Hereditary cancer-predisposing syndrome. Last evaluated: 2022-02-17. Review status: criteria provided, single submitter. Criteria: Ambry Variant Classification Scheme 2023. Collection method: clinical testing. Allele origin: germline.
Comment: The p.V1045L variant (also known as c.3133G>C), located in coding exon 18 of the PTCH1 gene, results from a G to C substitution at nucleotide position 3133. The valine at codon 1045 is replaced by leucine, an amino acid with highly similar properties. This amino acid position is conserved. In addition, this alteration is predicted to be tolerated by in silico analysis. Since supporting evidence is limited at this time, the clinical significance of this alteration remains unclear.

NM_000264.5(PTCH1):c.3133G>C (p.Val1045Leu)

Gene: PTCH1 (patched 1; minus strand). Cytogenetic location: 9q22.32.
Variant type: single nucleotide variant.
Coding change: c.3133G>C on transcript NM_000264.5 (MANE Select); coding-DNA position 3133, G replaced by C.
Protein change: p.Val1045Leu; replaces valine 1045 with leucine.
Molecular consequence: missense variant. On other transcripts: non-coding transcript variant (1).
Genome position (GRCh38, 1-based): chr9:95,458,048, C>G on the plus strand (G>C on the coding strand, the complement: PTCH1 is on the minus strand). VCF-style: chr9-95458048-C-G. GRCh37 (hg19) VCF-style: chr9-98220330-C-G.
Other names: c.2935G>C, p.Val979Leu (NM_001083602.3); c.3130G>C, p.Val1044Leu (NM_001083603.3); c.2680G>C, p.Val894Leu (NM_001083604.3, NM_001083605.3, NM_001083606.3 and 1 more transcripts); c.2977G>C, p.Val993Leu (NM_001354918.2); short protein forms V1045L, V1044L, V894L, V979L, V993L.
Identifiers: ClinVar variation 1727989 (VCV001727989.5), dbSNP rs2538067008, ClinGen allele CA374112320.